The following is an entry in ClinVar:

NM_018082.6(POLR3B):c.55C>G (p.Pro19Ala)

Gene: POLR3B (RNA polymerase III subunit B; plus strand). Cytogenetic location: 12q23.3.
Variant type: single nucleotide variant.
Coding change: c.55C>G on transcript NM_018082.6 (MANE Select); coding-DNA position 55, C replaced by G.
Protein change: p.Pro19Ala; replaces proline 19 with alanine.
Molecular consequence: missense variant.
Genome position (GRCh38, 1-based): chr12:106,357,934, C>G. VCF-style: chr12-106357934-C-G. GRCh37 (hg19) VCF-style: chr12-106751712-C-G.
Other names: short protein forms P19A.
Identifiers: ClinVar variation 3572537 (VCV003572537.2).

ClinVar aggregate classification (germline): Uncertain significance (1 of 4 stars; one submission).

Submission:

GeneDx
Classification: Uncertain significance. Last evaluated: 2025-04-21. Review status: criteria provided, single submitter. Criteria: GeneDx Variant Classification Process June 2021. Collection method: clinical testing. Allele origin: germline.
Comment: Not observed at significant frequency in large population cohorts (gnomAD); In silico analysis supports that this missense variant has a deleterious effect on protein structure/function; Has not been previously published as pathogenic or benign to our knowledge